The following is an entry in ClinVar:

ClinVar aggregate classification (germline): Pathogenic (1 of 4 stars; one submission).

Conditions:
Familial adenomatous polyposis 1 (FAP1). Also called: FAMILIAL ADENOMATOUS POLYPOSIS 1, ATTENUATED; POLYPOSIS, ADENOMATOUS INTESTINAL. Identifiers: MedGen C2713442, MONDO:0021056, OMIM 175100. Disease mechanism: loss of function.

Submission:

Labcorp Genetics (formerly Invitae), Labcorp
Classification: Pathogenic for Familial adenomatous polyposis 1. Last evaluated: 2024-08-19. Review status: criteria provided, single submitter. Criteria: Invitae Variant Classification Sherloc (09022015). Collection method: clinical testing. Allele origin: germline.
Comment: This sequence change creates a premature translational stop signal (p.Val530Trpfs*4) in the APC gene. It is expected to result in an absent or disrupted protein product. Loss-of-function variants in APC are known to be pathogenic (PMID: 17963004, 20685668). This variant is not present in population databases (gnomAD no frequency). This variant has not been reported in the literature in individuals affected with APC-related conditions. For these reasons, this variant has been classified as Pathogenic.

Literature cited by the submitters: PubMed 17963004; PubMed 20685668.

NM_000038.6(APC):c.1588del (p.Val530fs)

Gene: APC (APC regulator of Wnt signaling pathway; plus strand). Cytogenetic location: 5q22.2.
Variant type: Deletion.
Coding change: c.1588del on transcript NM_000038.6 (MANE Select); coding-DNA position 1588, one base deleted (G; older notation c.1588delG).
Protein change: p.Val530fs; shifts the reading frame from valine 530.
Molecular consequence: frameshift variant.
Genome position (GRCh38, 1-based): chr5:112,827,968, G deleted. VCF-style (leftmost placement, unchanged base first): chr5-112827967-TG-T. GRCh37 (hg19) VCF-style: chr5-112163664-TG-T.
Other names: c.1588del, p.Val530fs (NM_001127510.3, NM_001354895.2, NM_001407450.1); c.1534del, p.Val512fs (NM_001127511.3); c.1642del, p.Val548fs (NM_001354896.2, NM_001407447.1, NM_001407448.1 and 1 more transcripts); c.1618del, p.Val540fs (NM_001354897.2); c.1513del, p.Val505fs (NM_001354898.2); c.1504del, p.Val502fs (NM_001354899.2); c.1465del, p.Val489fs (NM_001354900.2); c.1411del, p.Val471fs (NM_001354901.2, NM_001407453.1); and 11 more; short protein forms V146fs, V429fs, V471fs, V520fs, V439fs, V502fs, V530fs, V540fs.
Identifiers: ClinVar variation 3662823 (VCV003662823.2).